The following is an entry in ClinVar:

NM_003119.4(SPG7):c.2133C>G (p.Tyr711Ter)

Gene: SPG7 (SPG7 matrix AAA peptidase subunit, paraplegin; plus strand). Cytogenetic location: 16q24.3.
Variant type: single nucleotide variant.
Coding change: c.2133C>G on transcript NM_003119.4 (MANE Select); coding-DNA position 2133, C replaced by G.
Protein change: p.Tyr711Ter; replaces tyrosine 711 with a stop codon.
Molecular consequence: nonsense.
Genome position (GRCh38, 1-based): chr16:89,554,515, C>G. VCF-style: chr16-89554515-C-G. GRCh37 (hg19) VCF-style: chr16-89620923-C-G.
Other names: c.2133C>G, p.Tyr711Ter (NM_001363850.1); short protein forms Y711*.
Identifiers: ClinVar variation 4991636 (VCV004991636.1).

ClinVar aggregate classification (germline): Likely pathogenic (1 of 4 stars; one submission).

Conditions:
SPG7-related disorder. Also called: SPG7-related condition.

gnomAD v4.1: 2 of 1,609,588 alleles (0.00012%); highest among the groups gnomAD compares: Non-Finnish European, 0.00017%; no homozygotes.

Submission:

PreventionGenetics, part of Exact Sciences
Classification: Likely pathogenic for SPG7-related condition. Last evaluated: 2025-11-11. Review status: criteria provided, single submitter. Criteria: ACMG Guidelines, 2015. Collection method: clinical testing. Allele origin: germline.
Comment: The SPG7 c.2133C>G variant is predicted to result in premature protein termination (p.Tyr711*). To our knowledge, this variant has not been reported in the literature. This variant is reported in 0.00089% of alleles in individuals of European (Non-Finnish) descent in gnomAD. Nonsense variants in SPG7 are expected to be pathogenic. This variant is interpreted as likely pathogenic.